The following is an entry in ClinVar:

ClinVar aggregate classification (germline): Benign (1 of 4 stars; one submission).

Conditions:
Retinitis pigmentosa (RP). Identifiers: Orphanet 791, MedGen C0035334, MeSH D012174, MONDO:0019200, OMIM 268000. Inheritance: Autosomal dominant, autosomal recessive and X linked inheritance.

Allele frequency attached by ClinVar (database versions not stated): gnomAD 0.02230 and 0.02378; TOPMed 0.02535; 1000 Genomes Project 0.02756; 1000 Genomes Project 30x 0.02904.

Submission:

Illumina Laboratory Services, Illumina
Classification: Benign for Retinitis pigmentosa. Last evaluated: 2018-01-12. Review status: criteria provided, single submitter. Criteria: ICSL Variant Classification Criteria 13 December 2019. Collection method: clinical testing. Allele origin: germline.
Comment: This variant was observed in the ICSL laboratory as part of a predisposition screen in an ostensibly healthy population. It had not been previously curated by ICSL or reported in the Human Gene Mutation Database (HGMD: prior to June 1st, 2018), and was therefore a candidate for classification through an automated scoring system. Utilizing variant allele frequency, disease prevalence and penetrance estimates, and inheritance mode, an automated score was calculated to assess if this variant is too frequent to cause the disease. Based on the score and internal cut-off values, a variant classified as benign is not then subjected to further curation. The score for this variant resulted in a classification of benign for this disease.

NM_000440.3(PDE6A):c.*2771G>C

Gene: PDE6A (phosphodiesterase 6A; minus strand). Cytogenetic location: 5q32.
Variant type: single nucleotide variant.
Coding change: c.*2771G>C on transcript NM_000440.3 (MANE Select); 2771 bases downstream of the stop codon, G replaced by C.
Molecular consequence: 3 prime UTR variant.
Genome position (GRCh38, 1-based): chr5:149,858,124, C>G on the plus strand (G>C on the coding strand, the complement: PDE6A is on the minus strand). VCF-style: chr5-149858124-C-G. GRCh37 (hg19) VCF-style: chr5-149237687-C-G.
Identifiers: ClinVar variation 351938 (VCV000351938.5), dbSNP rs17110632, ClinGen allele CA10623565.